The following is an entry in ClinVar:

NM_007118.4(TRIO):c.66C>A (p.Ser22Arg)

Gene: TRIO (trio Rho guanine nucleotide exchange factor; plus strand). Cytogenetic location: 5p15.2.
Variant type: single nucleotide variant.
Coding change: c.66C>A on transcript NM_007118.4 (MANE Select); coding-DNA position 66, C replaced by A.
Protein change: p.Ser22Arg; replaces serine 22 with arginine.
Molecular consequence: missense variant. On other transcripts: non-coding transcript variant (1).
Genome position (GRCh38, 1-based): chr5:14,143,791, C>A. VCF-style: chr5-14143791-C-A. GRCh37 (hg19) VCF-style: chr5-14143900-C-A.
Other names: short protein forms S22R.
Identifiers: ClinVar variation 3372926 (VCV003372926.1).

ClinVar aggregate classification (germline): Uncertain significance (1 of 4 stars; one submission).

gnomAD v4.1: 1 of 1,036,076 alleles (0.000097%); no homozygotes.

Submission:

GeneDx
Classification: Uncertain significance. Last evaluated: 2024-04-29. Review status: criteria provided, single submitter. Criteria: GeneDx Variant Classification Process June 2021. Collection method: clinical testing. Allele origin: germline. Affected: yes.
Comment: In silico analysis indicates that this missense variant does not alter protein structure/function; Has not been previously published as pathogenic or benign to our knowledge